The following is an entry in ClinVar:

ClinVar aggregate classification (germline): Pathogenic (1 of 4 stars; one submission).

Conditions:
Neurofibromatosis, type 1 (NF1). Also called: VON RECKLINGHAUSEN DISEASE; NEUROFIBROMATOSIS, TYPE I, SOMATIC; Peripheral type neurofibromatosis; Neurofibromatosis, type I. Identifiers: Orphanet 636, MedGen C0027831, MONDO:0018975, OMIM 162200. Disease mechanism: loss of function.

Submission:

Labcorp Genetics (formerly Invitae), Labcorp
Classification: Pathogenic for Neurofibromatosis, type 1. Last evaluated: 2018-09-04. Review status: criteria provided, single submitter. Criteria: Invitae Variant Classification Sherloc (09022015). Collection method: clinical testing. Allele origin: germline.
Comment: For these reasons, this variant has been classified as Pathogenic. Loss-of-function variants in NF1 are known to be pathogenic (PMID: 10712197, 23913538). This variant has not been reported in the literature in individuals with NF1-related disease. This variant is not present in population databases (ExAC no frequency). This sequence change creates a premature translational stop signal (p.Tyr1659Leufs*3) in the NF1 gene. It is expected to result in an absent or disrupted protein product.

Literature cited by the submitters: PubMed 10712197; PubMed 23913538.

NM_001042492.3(NF1):c.5039_5041delinsT (p.Tyr1680fs)

Gene: NF1 (neurofibromin 1; plus strand). Cytogenetic location: 17q11.2.
Variant type: Indel.
Coding change: c.5039_5041delinsT on transcript NM_001042492.3 (MANE Select); coding-DNA positions 5039 to 5041, ATA replaced by T.
Protein change: p.Tyr1680fs; shifts the reading frame from tyrosine 1680.
Molecular consequence: frameshift variant.
Genome position (GRCh38, 1-based): chr17:31,326,023-31,326,025, ATA replaced by T. VCF-style: chr17-31326023-ATA-T. GRCh37 (hg19) VCF-style: chr17-29653041-ATA-T.
Other names: c.4976_4978delATAinsT, p.Tyr1659Leufs (NM_000267.4); short protein forms Y1680fs, Y1659fs.
Identifiers: ClinVar variation 567655 (VCV000567655.6), dbSNP rs1567611457, ClinGen allele CA891844018.
Genomic context (GRCh38, chr17:31,326,023, plus strand): 5'-CTAAGTGGTTTGTTGTTTTTCCTGGCTTTGCTTACGACAACGTCTCCGCAGTCTATATCT[ATA>T]ACTGTAACTCCTGGGTCAGGGAGTACACCAAGTATCATGAGCGGCTGCTGACTGGCCTCA-3'